The following is an entry in ClinVar:

ClinVar aggregate classification (germline): Uncertain significance (1 of 4 stars; one submission).

Conditions:
Hereditary cancer-predisposing syndrome. Also called: Tumor predisposition; Hereditary neoplastic syndrome; Hereditary Cancer Syndrome; Neoplastic Syndromes, Hereditary. Identifiers: Orphanet 140162, MedGen C0027672, MeSH D009386, MONDO:0015356.

Submission:

Ambry Genetics
Classification: Uncertain significance for Hereditary cancer-predisposing syndrome. Last evaluated: 2025-06-03. Review status: criteria provided, single submitter. Criteria: Ambry Variant Classification Scheme 2023. Collection method: clinical testing. Allele origin: germline.
Comment: The p.D472H variant (also known as c.1414G>C), located in coding exon 9 of the RAD50 gene, results from a G to C substitution at nucleotide position 1414. The aspartic acid at codon 472 is replaced by histidine, an amino acid with similar properties. This amino acid position is conserved. In addition, this alteration is predicted to be tolerated by in silico analysis. Based on the available evidence, the clinical significance of this variant remains unclear.

NM_005732.4(RAD50):c.1414G>C (p.Asp472His)

Gene: RAD50 (RAD50 double strand break repair protein; plus strand). Cytogenetic location: 5q31.1.
Variant type: single nucleotide variant.
Coding change: c.1414G>C on transcript NM_005732.4 (MANE Select); coding-DNA position 1414, G replaced by C.
Protein change: p.Asp472His; replaces aspartic acid 472 with histidine.
Molecular consequence: missense variant.
Genome position (GRCh38, 1-based): chr5:132,589,799, G>C. VCF-style: chr5-132589799-G-C. GRCh37 (hg19) VCF-style: chr5-131925491-G-C.
Other names: short protein forms D472H.
Identifiers: ClinVar variation 3942147 (VCV003942147.1).
Genomic context (GRCh38, chr5:132,589,799, plus strand): 5'-AAGAAGCAGAATGAGCTGAAAAATGTGAAGTATGAATTACAGCAGTTGGAAGGATCTTCA[G>C]ACAGGATTCTTGAACTGGACCAGGAGCTCATAAAAGCTGTAAGATATTGTTTGAATAATC-3'
Protein context (NP_005723.2, residues 462-482): YELQQLEGSS[Asp472His]RILELDQELI